The following is an entry in ClinVar:

ClinVar aggregate classification (germline): Benign/Likely benign. Review status: criteria provided, multiple submitters, no conflicts (2 of 4 stars). 6 submissions from 6 submitters: Benign (4); Likely benign (2). Last evaluated 2026-02-02.

Conditions:
Tuberous sclerosis 2 (TSC2). Identifiers: Orphanet 805, MedGen C1860707, MONDO:0013199, OMIM 613254.

Allele frequency attached by ClinVar (database versions not stated): gnomAD exomes 0.00020 and 0.00041; ExAC 0.00029; ESP Exome Variant Server 0.00031; gnomAD 0.00049 and 0.00051; TOPMed 0.00084; 1000 Genomes Project 30x 0.00094; 1000 Genomes Project 0.00100.
gnomAD v4.1: 409 of 1,612,362 alleles (0.025%); highest among the groups gnomAD compares: Middle Eastern, 0.13%; 1 homozygote.

Submissions (6):

Labcorp Genetics (formerly Invitae), Labcorp
Classification: Benign for Tuberous sclerosis 2. Last evaluated: 2026-02-02. Review status: criteria provided, single submitter. Criteria: Invitae Variant Classification Sherloc (09022015). Collection method: clinical testing. Allele origin: germline.

Myriad Genetics, Inc.
Classification: Benign for Tuberous sclerosis 2. Last evaluated: 2025-05-30. Review status: criteria provided, single submitter. Criteria: Myriad Autosomal Dominant, Autosomal Recessive and X-Linked Classification Criteria (2023). Collection method: clinical testing. Allele origin: unknown.
Comment: This variant is considered benign. This variant is intronic and is not expected to impact mRNA splicing. This variant has been observed at a population frequency that is significantly greater than expected given the associated disease prevalence and penetrance.

Blueprint Genetics
Classification: Likely benign. Last evaluated: 2024-11-11. Review status: criteria provided, single submitter. Criteria: ACMG Guidelines, 2015. Collection method: clinical testing. Allele origin: germline.

KCCC/NGS Laboratory, Kuwait Cancer Control Center
Classification: Benign for Tuberous sclerosis 2. Last evaluated: 2023-07-07. Review status: criteria provided, single submitter. Criteria: ACMG Guidelines, 2015. Collection method: clinical testing. Allele origin: germline. Affected: yes.

GeneDx
Classification: Benign. Last evaluated: 2013-09-25. Review status: criteria provided, single submitter. Criteria: GeneDx Variant Classification (06012015). Collection method: clinical testing. Allele origin: germline. Affected: yes.
Comment: This variant is considered likely benign or benign based on one or more of the following criteria: it is a conservative change, it occurs at a poorly conserved position in the protein, it is predicted to be benign by multiple in silico algorithms, and/or has population frequency not consistent with disease.

PreventionGenetics, part of Exact Sciences
Classification: Likely benign. Review status: criteria provided, single submitter. Criteria: ACMG Guidelines, 2015. Collection method: clinical testing. Allele origin: germline.

NM_000548.5(TSC2):c.3815-20C>T

Gene: TSC2 (TSC complex subunit 2; plus strand). Cytogenetic location: 16p13.3.
Variant type: single nucleotide variant.
Coding change: c.3815-20C>T on transcript NM_000548.5 (MANE Select); 20 bases into the intron before coding-DNA position 3815, C replaced by T.
Molecular consequence: intron variant.
Genome position (GRCh38, 1-based): chr16:2,082,416, C>T. VCF-style: chr16-2082416-C-T. GRCh37 (hg19) VCF-style: chr16-2132417-C-T.
Other names: c.3814+618C>T (NM_001114382.3); c.3686-20C>T (NM_021055.3, NM_001370405.1); c.3685+618C>T (NM_001363528.2); c.3683-20C>T (NM_001370404.1); c.3682+618C>T (NM_001077183.3); c.3574+618C>T (NM_001318827.2); c.3083-20C>T (NM_001318831.2); c.3538+618C>T (NM_001318829.2); and 2 more.
Identifiers: ClinVar variation 137746 (VCV000137746.12), dbSNP rs201878712, ClinGen allele CA019573.